The following is an entry in ClinVar:

NM_000169.3(GLA):c.639+99T>C

Genes: GLA (galactosidase alpha; minus strand), RPL36A-HNRNPH2 (RPL36A-HNRNPH2 readthrough; plus strand). Cytogenetic location: Xq22.1.
Variant type: single nucleotide variant.
Coding change: c.639+99T>C on transcript NM_000169.3 (MANE Select); 99 bases into the intron after coding-DNA position 639, T replaced by C.
Molecular consequence: intron variant.
Genome position (GRCh38, 1-based): chrX:101,400,567, A>G on the plus strand (T>C on the coding strand, the complement: GLA is on the minus strand). VCF-style: chrX-101400567-A-G. GRCh37 (hg19) VCF-style: chrX-100655555-A-G.
Other names: c.300+5110A>G (NM_001199973.2); c.177+8745A>G (NM_001199974.2); c.762+99T>C (NM_001406747.1); c.639+99T>C (NM_001406748.1).
Identifiers: ClinVar variation 4990084 (VCV004990084.1).

ClinVar aggregate classification (germline): Likely benign (1 of 4 stars; one submission).

Conditions:
GLA-related disorder. Also called: GLA-related condition.

gnomAD v4.1: 14 of 525,789 alleles (0.0027%); highest among the groups gnomAD compares: Non-Finnish European, 0.0048%; no homozygotes.

Submission:

PreventionGenetics, part of Exact Sciences
Classification: Likely benign for GLA-related condition. Last evaluated: 2025-05-22. Review status: criteria provided, single submitter. Criteria: ACMG Guidelines, 2015. Collection method: clinical testing. Allele origin: germline.
Comment: This variant is classified as likely benign based on ACMG/AMP sequence variant interpretation guidelines (Richards et al. 2015 PMID: 25741868, with internal and published modifications).